The following is an entry in ClinVar:

ClinVar aggregate classification (germline): Conflicting classifications of pathogenicity. Review status: criteria provided, conflicting classifications (1 of 4 stars). 8 submissions from 8 submitters: Uncertain significance (5); Likely benign (2). 1 of the submissions does not count toward it. Last evaluated 2026-01-07.

Conditions:
Cardiovascular phenotype. Identifiers: MedGen CN230736.
APOB-related disorder. Also called: APOB-related condition; APOB-related disorders.
Familial hypobetalipoproteinemia 1. Also called: Hypobetalipoproteinemia, normotriglyceridemic; Acanthocytosis with hypobetalipoproteinemia; APOB-Related Familial Hypobetalipoproteinemia. Identifiers: MedGen C4551990, MONDO:0014252, OMIM 615558.
Hypercholesterolemia, autosomal dominant, type B (FHCL2). Also called: Familial hypercholesterolemia 2; APOB-Related Familial Hypercholesterolemia, Autosomal Dominant; HYPERCHOLESTEROLEMIA, FAMILIAL, DUE TO LIGAND-DEFECTIVE APOLIPOPROTEIN B; Hyperlipoproteinemia Type IIb; Familial Hypercholesterolemia Type B; APOLIPOPROTEIN B-100, FAMILIAL DEFECTIVE. Identifiers: MedGen C1704417, MONDO:0007751, OMIM 144010.

Allele frequency attached by ClinVar (database versions not stated): gnomAD exomes 0.00003 and 0.00010; ExAC 0.00012; TOPMed 0.00039; gnomAD 0.00050 and 0.00051; ESP Exome Variant Server 0.00054; 1000 Genomes Project 0.00100; 1000 Genomes Project 30x 0.00109.
gnomAD v4.1: 123 of 1,590,024 alleles (0.0077%); highest among the groups gnomAD compares: African/African-American, 0.16%; no homozygotes.

Submissions (8):

Labcorp Genetics (formerly Invitae), Labcorp
Classification: Likely benign for Familial hypobetalipoproteinemia 1; Hypercholesterolemia, autosomal dominant, type B. Last evaluated: 2026-01-07. Review status: criteria provided, single submitter. Criteria: Invitae Variant Classification Sherloc (09022015). Collection method: clinical testing. Allele origin: germline.

Molecular Diagnostic Laboratory for Inherited Cardiovascular Disease, Montreal Heart Institute
Classification: Uncertain significance for Cardiovascular phenotype. Last evaluated: 2025-04-09. Review status: criteria provided, single submitter. Criteria: ACMG Guidelines, 2015. Collection method: clinical testing. Allele origin: germline. Affected: yes.

Quest Diagnostics Nichols Institute San Juan Capistrano
Classification: Uncertain significance. Last evaluated: 2024-11-20. Review status: criteria provided, single submitter. Criteria: Quest Diagnostics criteria. Collection method: clinical testing. Allele origin: unknown.
Comment: The APOB c.895T>G (p.Phe299Val) variant has been reported in the published literature in an individual with elevated low-density lipoprotein cholesterol (LDL-C) levels (PMID: 31106297 (2018)) and in an individual with HELLP syndrome (haemolysis, elevated liver enzymes, and low platelet) (PMID: 33059327 (2020)). The frequency of this variant in the general population, 0.0016 (41/24970 chromosomes in African/African American subpopulation (Genome Aggregation Database)), is higher than would generally be expected for pathogenic variants in this gene. Analysis of this variant using bioinformatics tools for the prediction of the effect of amino acid changes on protein structure and function yielded conflicting predictions that this variant is benign or damaging. Based on the available information, we are unable to determine the clinical significance of this variant.

GeneDx
Classification: Uncertain significance. Last evaluated: 2024-11-08. Review status: criteria provided, single submitter. Criteria: GeneDx Variant Classification Process June 2021. Collection method: clinical testing. Allele origin: germline. Affected: yes.
Comment: In silico analysis supports that this missense variant has a deleterious effect on protein structure/function; Has not been previously published as pathogenic or benign to our knowledge; Also known as p.(F272V); This variant is associated with the following publications: (PMID: 33059327)

Ambry Genetics
Classification: Likely benign for Cardiovascular phenotype. Last evaluated: 2022-06-27. Review status: criteria provided, single submitter. Criteria: Ambry Variant Classification Scheme 2023. Collection method: clinical testing. Allele origin: germline.

ARUP Laboratories, Molecular Genetics and Genomics, ARUP Laboratories
Classification: Uncertain significance. Last evaluated: 2021-05-12. Review status: criteria provided, single submitter. Criteria: ARUP Molecular Germline Variant Investigation Process 2021. Collection method: clinical testing. Allele origin: germline.
Comment: The APOB c.895T>G; p.Phe299Val variant (rs72653060), to our knowledge, has not been reported in the medical literature or gene specific databases. This variant is found in the general population with an allele frequency in African populations of 0.16% (41/24,970 alleles) in the Genome Aggregation Database. The phenylalanine at codon 299 is weakly conserved, but computational analyses are uncertain whether this variant is neutral or deleterious (REVEL: 0.213). Based on the available information, the clinical significance of this variant is uncertain.

Mayo Clinic Laboratories, Mayo Clinic
Classification: Uncertain significance. Last evaluated: 2019-08-26. Review status: criteria provided, single submitter. Criteria: ACMG Guidelines, 2015. Collection method: clinical testing. Allele origin: germline. Observed: 1 variant allele.

PreventionGenetics, part of Exact Sciences
Classification: Uncertain significance for APOB-related condition. Last evaluated: 2023-11-29. Review status: no assertion criteria provided. Collection method: clinical testing. Allele origin: germline. Not counted in ClinVar's aggregate classification.
Comment: The APOB c.895T>G variant is predicted to result in the amino acid substitution p.Phe299Val. This variant has been reported in the heterozygous state in an individual with HELLP syndrome (Jiménez et al. 2020. PubMed ID: 33059327). This variant is reported in 0.16% of alleles in individuals of African descent in gnomAD. At this time, the clinical significance of this variant is uncertain due to the absence of conclusive functional and genetic evidence.

Literature cited by the submitters: PubMed 33059327 (cited by Quest Diagnostics Nichols Institute San Juan Capistrano); PubMed 31106297 (cited by Quest Diagnostics Nichols Institute San Juan Capistrano).

NM_000384.3(APOB):c.895T>G (p.Phe299Val)

Gene: APOB (apolipoprotein B; minus strand). Cytogenetic location: 2p24.1.
Variant type: single nucleotide variant.
Coding change: c.895T>G on transcript NM_000384.3 (MANE Select); coding-DNA position 895, T replaced by G.
Protein change: p.Phe299Val; replaces phenylalanine 299 with valine.
Molecular consequence: missense variant.
Genome position (GRCh38, 1-based): chr2:21,034,825, A>C on the plus strand (T>G on the coding strand, the complement: APOB is on the minus strand). VCF-style: chr2-21034825-A-C. GRCh37 (hg19) VCF-style: chr2-21257697-A-C.
Other names: short protein forms F299V.
Identifiers: ClinVar variation 544129 (VCV000544129.32), dbSNP rs72653060, ClinGen allele CA066138.